The following is an entry in ClinVar:

ClinVar aggregate classification (germline): Uncertain significance (1 of 4 stars; one submission).

Conditions:
GEMIN4-related disorder. Also called: GEMIN4-related condition.

Submission:

PreventionGenetics, part of Exact Sciences
Classification: Uncertain significance for GEMIN4-related condition. Last evaluated: 2023-09-13. Review status: criteria provided, single submitter. Criteria: ACMG Guidelines, 2015. Collection method: clinical testing. Allele origin: germline.
Comment: The GEMIN4 c.276G>T variant is predicted to result in the amino acid substitution p.Trp92Cys. To our knowledge, this variant has not been reported in the literature or in a large population database, indicating this variant is rare. At this time, the clinical significance of this variant is uncertain due to the absence of conclusive functional and genetic evidence.

NM_015721.3(GEMIN4):c.276G>T (p.Trp92Cys)

Gene: GEMIN4 (gem nuclear organelle associated protein 4; minus strand). Cytogenetic location: 17p13.3.
Variant type: single nucleotide variant.
Coding change: c.276G>T on transcript NM_015721.3 (MANE Select); coding-DNA position 276, G replaced by T.
Protein change: p.Trp92Cys; replaces tryptophan 92 with cysteine.
Molecular consequence: missense variant.
Genome position (GRCh38, 1-based): chr17:747,767, C>A on the plus strand (G>T on the coding strand, the complement: GEMIN4 is on the minus strand). VCF-style: chr17-747767-C-A. GRCh37 (hg19) VCF-style: chr17-651007-C-A.
Other names: short protein forms W92C.
Identifiers: ClinVar variation 2631062 (VCV002631062.1), dbSNP rs2544549590, ClinGen allele CA397510587.